The following is an entry in ClinVar:

NM_001160148.2(DDHD1):c.136G>A (p.Gly46Ser)

Gene: DDHD1 (DDHD domain containing 1; minus strand). Cytogenetic location: 14q22.1.
Variant type: single nucleotide variant.
Coding change: c.136G>A on transcript NM_001160148.2 (MANE Select); coding-DNA position 136, G replaced by A.
Protein change: p.Gly46Ser; replaces glycine 46 with serine.
Molecular consequence: missense variant.
Genome position (GRCh38, 1-based): chr14:53,152,963, C>T on the plus strand (G>A on the coding strand, the complement: DDHD1 is on the minus strand). VCF-style: chr14-53152963-C-T. GRCh37 (hg19) VCF-style: chr14-53619681-C-T.
Other names: p.Gly46Ser; c.136G>A, p.Gly46Ser (NM_001160147.2, NM_030637.3); short protein forms G46S.
Identifiers: ClinVar variation 238597 (VCV000238597.16), dbSNP rs61985140, ClinGen allele CA7191584.

ClinVar aggregate classification (germline): Benign. Review status: criteria provided, multiple submitters, no conflicts (2 of 4 stars). 5 submissions from 5 submitters: Benign (5). Last evaluated 2026-02-02.

Conditions:
Hereditary spastic paraplegia 28. Also called: Spastic paraplegia 28, autosomal recessive. Identifiers: Orphanet 101008, MedGen C1836295, MONDO:0012256, OMIM 609340.
Hereditary spastic paraplegia. Also called: Familial spastic paraparesis. Identifiers: Orphanet 685, MedGen C0037773, MONDO:0019064. Disease mechanism: loss of function.

Allele frequency attached by ClinVar (database versions not stated): 1000 Genomes Project 0.00499; 1000 Genomes Project 30x 0.00515; TOPMed 0.01092; gnomAD 0.01248 and 0.01292; ESP Exome Variant Server 0.01261.
gnomAD v4.1: 23,278 of 1,585,200 alleles (1.5%); highest among the groups gnomAD compares: Non-Finnish European, 1.7%; 234 homozygotes.

Submissions (5):

Labcorp Genetics (formerly Invitae), Labcorp
Classification: Benign for Hereditary spastic paraplegia 28. Last evaluated: 2026-02-02. Review status: criteria provided, single submitter. Criteria: Invitae Variant Classification Sherloc (09022015). Collection method: clinical testing. Allele origin: germline.

Genome Diagnostics Laboratory, The Hospital for Sick Children
Classification: Benign for Hereditary spastic paraplegia. Last evaluated: 2020-11-25. Review status: criteria provided, single submitter. Criteria: ACMG Guidelines, 2015. Collection method: clinical testing. Allele origin: germline. Affected: yes.

Mayo Clinic Laboratories, Mayo Clinic
Classification: Benign. Last evaluated: 2019-10-21. Review status: criteria provided, single submitter. Criteria: ACMG Guidelines, 2015. Collection method: clinical testing. Allele origin: germline. Observed: 50 variant alleles.

GeneDx
Classification: Benign. Last evaluated: 2016-08-29. Review status: criteria provided, single submitter. Criteria: GeneDx Variant Classification (06012015). Collection method: clinical testing. Allele origin: germline. Affected: yes.
Comment: This variant is considered likely benign or benign based on one or more of the following criteria: it is a conservative change, it occurs at a poorly conserved position in the protein, it is predicted to be benign by multiple in silico algorithms, and/or has population frequency not consistent with disease.

Breakthrough Genomics
Classification: Benign. Review status: criteria provided, single submitter. Criteria: ACMG Guidelines, 2015. Collection method: not provided. Allele origin: germline. Inheritance: Autosomal recessive inheritance. Affected: yes.